The following is an entry in ClinVar:

ClinVar aggregate classification (germline): Likely benign. Review status: criteria provided, multiple submitters, no conflicts (2 of 4 stars). 2 submissions from 2 submitters: Likely benign (2). Last evaluated 2025-10-23.

Conditions:
3-methylglutaconic aciduria with deafness, encephalopathy, and Leigh-like syndrome (MEGDEL). Also called: 3-METHYLGLUTACONIC ACIDURIA, TYPE VI; MEGDEL syndrome; SERAC1 Deficiency. Identifiers: Orphanet 352328, MedGen C4040739, MONDO:0013875, OMIM 614739.
SERAC1-related disorder. Also called: SERAC1-related disorders; SERAC1-related condition.

Allele frequency attached by ClinVar (database versions not stated): TOPMed 0.00003; gnomAD 0.00004.
gnomAD v4.1: 14 of 1,613,586 alleles (0.00087%); highest among the groups gnomAD compares: Middle Eastern, 0.016%; no homozygotes.

Submissions (2):

PreventionGenetics, part of Exact Sciences
Classification: Likely benign for SERAC1-related condition. Last evaluated: 2025-10-23. Review status: criteria provided, single submitter. Criteria: ACMG Guidelines, 2015. Collection method: clinical testing. Allele origin: germline.
Comment: This variant is classified as likely benign based on ACMG/AMP sequence variant interpretation guidelines (Richards et al. 2015 PMID: 25741868, with internal and published modifications).

Labcorp Genetics (formerly Invitae), Labcorp
Classification: Likely benign for 3-methylglutaconic aciduria with deafness, encephalopathy, and Leigh-like syndrome. Last evaluated: 2025-02-06. Review status: criteria provided, single submitter. Criteria: Invitae Variant Classification Sherloc (09022015). Collection method: clinical testing. Allele origin: germline.

NM_032861.4(SERAC1):c.555A>G (p.Glu185=)

Gene: SERAC1 (serine active site containing 1; minus strand). Cytogenetic location: 6q25.3.
Variant type: single nucleotide variant.
Coding change: c.555A>G on transcript NM_032861.4 (MANE Select); coding-DNA position 555, A replaced by G.
Protein change: p.Glu185=; no amino-acid change (glutamic acid 185 retained).
Molecular consequence: synonymous variant. On other transcripts: non-coding transcript variant (1).
Genome position (GRCh38, 1-based): chr6:158,144,353, T>C on the plus strand (A>G on the coding strand, the complement: SERAC1 is on the minus strand). VCF-style: chr6-158144353-T-C. GRCh37 (hg19) VCF-style: chr6-158565385-T-C.
Other names: c.555A>G (NM_032861.3).
Identifiers: ClinVar variation 2198401 (VCV002198401.5), dbSNP rs200483257, ClinGen allele CA150944951.
Genomic context (GRCh38, chr6:158,144,353, plus strand): 5'-ACTTACTTCTTTTAAAGATGGCAAAGGAGGTGGTAGGAGAAAAAAGCGAAGATCACTCTC[T>C]TCGCTTCGTGCCAAACCAATAAGAGTTTTCGGATCACAGGCTTGAGCAATTATCCTATAC-3'
Protein context (NP_116250.3, residues 175-195): PKTLIGLARS[Glu185=]ESDLRFFLLP